The following is an entry in ClinVar:

NM_020937.4(FANCM):c.3402G>C (p.Leu1134Phe)

Gene: FANCM (FA complementation group M; plus strand). Cytogenetic location: 14q21.2.
Variant type: single nucleotide variant.
Coding change: c.3402G>C on transcript NM_020937.4 (MANE Select); coding-DNA position 3402, G replaced by C.
Protein change: p.Leu1134Phe; replaces leucine 1134 with phenylalanine.
Molecular consequence: missense variant.
Genome position (GRCh38, 1-based): chr14:45,176,156, G>C. VCF-style: chr14-45176156-G-C. GRCh37 (hg19) VCF-style: chr14-45645359-G-C.
Other names: c.3324G>C, p.Leu1108Phe (NM_001308133.2); short protein forms L1134F, L1108F.
Identifiers: ClinVar variation 847880 (VCV000847880.8), dbSNP rs1888675805, ClinGen allele CA389601384.

ClinVar aggregate classification (germline): Uncertain significance. Review status: criteria provided, multiple submitters, no conflicts (2 of 4 stars). 2 submissions from 2 submitters: Uncertain significance (2). Last evaluated 2025-01-03.

Conditions:
Inborn genetic diseases. Identifiers: MedGen C0950123, MeSH D030342.
Fanconi anemia (FA). Also called: Fanconi's anemia. Identifiers: Orphanet 84, MedGen C0015625, MeSH D005199, MONDO:0019391.

Allele frequency attached by ClinVar (database versions not stated): gnomAD exomes below 0.00001.
gnomAD v4.1: 2 of 1,613,990 alleles (0.00012%); highest among the groups gnomAD compares: Non-Finnish European, 0.00017%; no homozygotes.

Submissions (2):

Ambry Genetics
Classification: Uncertain significance for Inborn genetic diseases. Last evaluated: 2025-01-03. Review status: criteria provided, single submitter. Criteria: Ambry Variant Classification Scheme 2023. Collection method: clinical testing. Allele origin: germline.
Comment: The p.L1134F variant (also known as c.3402G>C), located in coding exon 14 of the FANCM gene, results from a G to C substitution at nucleotide position 3402. The leucine at codon 1134 is replaced by phenylalanine, an amino acid with highly similar properties. This amino acid position is conserved. In addition, this alteration is predicted to be tolerated by in silico analysis. Based on the available evidence, the clinical significance of this variant remains unclear.

Labcorp Genetics (formerly Invitae), Labcorp
Classification: Uncertain significance for Fanconi anemia. Last evaluated: 2021-09-29. Review status: criteria provided, single submitter. Criteria: Invitae Variant Classification Sherloc (09022015). Collection method: clinical testing. Allele origin: germline.
Comment: This variant has not been reported in the literature in individuals affected with FANCM-related conditions. Algorithms developed to predict the effect of missense changes on protein structure and function are either unavailable or do not agree on the potential impact of this missense change (SIFT: "Tolerated"; PolyPhen-2: "Possibly Damaging"; Align-GVGD: "Class C0"). In summary, the available evidence is currently insufficient to determine the role of this variant in disease. Therefore, it has been classified as a Variant of Uncertain Significance. This variant is not present in population databases (ExAC no frequency). This sequence change replaces leucine with phenylalanine at codon 1134 of the FANCM protein (p.Leu1134Phe). The leucine residue is weakly conserved and there is a small physicochemical difference between leucine and phenylalanine.